The following is an entry in ClinVar:

ClinVar aggregate classification (germline): Uncertain significance (1 of 4 stars; one submission).

Conditions:
Inborn genetic diseases. Identifiers: MedGen C0950123, MeSH D030342.

Allele frequency attached by ClinVar (database versions not stated): gnomAD 0.00002.
gnomAD v4.1: 41 of 1,613,950 alleles (0.0025%); highest among the groups gnomAD compares: South Asian, 0.04%; no homozygotes.

Submission:

Ambry Genetics
Classification: Uncertain significance for Inborn genetic diseases. Last evaluated: 2021-09-01. Review status: criteria provided, single submitter. Criteria: Ambry Variant Classification Scheme 2023. Collection method: clinical testing. Allele origin: germline.
Comment: The p.T653I variant (also known as c.1958C>T), located in coding exon 9 of the ATR gene, results from a C to T substitution at nucleotide position 1958. The threonine at codon 653 is replaced by isoleucine, an amino acid with similar properties. This amino acid position is conserved. In addition, this alteration is predicted to be tolerated by in silico analysis. Since supporting evidence is limited at this time, the clinical significance of this alteration remains unclear.

NM_001184.4(ATR):c.1958C>T (p.Thr653Ile)

Gene: ATR (ATR checkpoint kinase; minus strand). Cytogenetic location: 3q23.
Variant type: single nucleotide variant.
Coding change: c.1958C>T on transcript NM_001184.4 (MANE Select); coding-DNA position 1958, C replaced by T.
Protein change: p.Thr653Ile; replaces threonine 653 with isoleucine.
Molecular consequence: missense variant.
Genome position (GRCh38, 1-based): chr3:142,556,503, G>A on the plus strand (C>T on the coding strand, the complement: ATR is on the minus strand). VCF-style: chr3-142556503-G-A. GRCh37 (hg19) VCF-style: chr3-142275345-G-A.
Other names: c.1766C>T, p.Thr589Ile (NM_001354579.2); short protein forms T653I, T589I.
Identifiers: ClinVar variation 1783355 (VCV001783355.2), dbSNP rs756210333, ClinGen allele CA2650463.